The following is an entry in ClinVar:

ClinVar aggregate classification (germline): Uncertain significance. Review status: criteria provided, multiple submitters, no conflicts (2 of 4 stars). 6 submissions from 4 submitters: Uncertain significance (6). Last evaluated 2026-04-08.

Conditions:
RLBP1-related disorder. Also called: RLBP1-related disorders; RLBP1-related condition. Identifiers: MedGen CN239413.
Retinitis pigmentosa (RP). Identifiers: Orphanet 791, MedGen C0035334, MeSH D012174, MONDO:0019200, OMIM 268000. Inheritance: Autosomal dominant, autosomal recessive and X linked inheritance.
Pigmentary retinal dystrophy. Also called: Fundus albipunctatus. Identifiers: Orphanet 227796, Orphanet 52427, MedGen C0311338, MONDO:0007639, OMIM 136880, HP:0030642.
Newfoundland cone-rod dystrophy. Identifiers: MedGen C1843815, MONDO:0011839, OMIM 607476.

Allele frequency attached by ClinVar (database versions not stated): gnomAD 0.00003; TOPMed 0.00003; ESP Exome Variant Server 0.00008.

Submissions (6):

PreventionGenetics, part of Exact Sciences
Classification: Uncertain significance for RLBP1-related condition. Last evaluated: 2026-04-08. Review status: criteria provided, single submitter. Criteria: ACMG Guidelines, 2015. Collection method: clinical testing. Allele origin: germline.
Comment: The RLBP1 c.107C>T variant is predicted to result in the amino acid substitution p.Pro36Leu. To our knowledge, this variant has not been reported in the literature. This variant is reported in 0.012% of alleles in individuals of African descent in gnomAD. At this time, the clinical significance of this variant is uncertain due to the absence of conclusive functional and genetic evidence.

Labcorp Genetics (formerly Invitae), Labcorp
Classification: Uncertain significance. Last evaluated: 2022-06-30. Review status: criteria provided, single submitter. Criteria: Invitae Variant Classification Sherloc (09022015). Collection method: clinical testing. Allele origin: germline.
Comment: This sequence change replaces proline, which is neutral and non-polar, with leucine, which is neutral and non-polar, at codon 36 of the RLBP1 protein (p.Pro36Leu). This variant is present in population databases (rs200143313, gnomAD 0.01%). This variant has not been reported in the literature in individuals affected with RLBP1-related conditions. ClinVar contains an entry for this variant (Variation ID: 317244). Algorithms developed to predict the effect of missense changes on protein structure and function output the following: SIFT: "Tolerated"; PolyPhen-2: "Benign"; Align-GVGD: "Class C0". The leucine amino acid residue is found in multiple mammalian species, which suggests that this missense change does not adversely affect protein function. In summary, the available evidence is currently insufficient to determine the role of this variant in disease. Therefore, it has been classified as a Variant of Uncertain Significance.

Blueprint Genetics
Classification: Uncertain significance. Last evaluated: 2018-08-06. Review status: criteria provided, single submitter. Criteria: ACMG Guidelines, 2015. Collection method: clinical testing. Allele origin: germline.

Illumina Laboratory Services, Illumina
Classification: Uncertain significance for Newfoundland cone-rod dystrophy. Last evaluated: 2018-01-12. Review status: criteria provided, single submitter. Criteria: ICSL Variant Classification Criteria 13 December 2019. Collection method: clinical testing. Allele origin: germline.

Illumina Laboratory Services, Illumina
Classification: Uncertain significance for Pigmentary retinal dystrophy. Last evaluated: 2018-01-12. Review status: criteria provided, single submitter. Criteria: ICSL Variant Classification Criteria 13 December 2019. Collection method: clinical testing. Allele origin: germline.

Illumina Laboratory Services, Illumina
Classification: Uncertain significance for Retinitis pigmentosa. Last evaluated: 2018-01-12. Review status: criteria provided, single submitter. Criteria: ICSL Variant Classification Criteria 13 December 2019. Collection method: clinical testing. Allele origin: germline.

NM_000326.5(RLBP1):c.107C>T (p.Pro36Leu)

Gene: RLBP1 (retinaldehyde binding protein 1; minus strand). Cytogenetic location: 15q26.1.
Variant type: single nucleotide variant.
Coding change: c.107C>T on transcript NM_000326.5 (MANE Select); coding-DNA position 107, C replaced by T.
Protein change: p.Pro36Leu; replaces proline 36 with leucine.
Molecular consequence: missense variant.
Genome position (GRCh38, 1-based): chr15:89,218,599, G>A on the plus strand (C>T on the coding strand, the complement: RLBP1 is on the minus strand). VCF-style: chr15-89218599-G-A. GRCh37 (hg19) VCF-style: chr15-89761830-G-A.
Other names: short protein forms P36L.
Identifiers: ClinVar variation 317244 (VCV000317244.11), dbSNP rs200143313, ClinGen allele CA10647445.
Genomic context (GRCh38, chr15:89,218,599, plus strand): 5'-CCTCTCCGCACTGTCAGCCACCTCACCTTCTGCAAGGTGTGGCGGGGCAGCTGGCTGCAC[G>A]GGCCAAAGACAGGTCCATGGTCCTTGGTTGTGAGCTGCTCCAGTTGGGCACGGAGCTCCT-3'
Protein context (NP_000317.1, residues 26-46): TTKDHGPVFG[Pro36Leu]CSQLPRHTLQ